The following is an entry in ClinVar:

NM_001042545.2(LTBP4):c.1295G>A (p.Arg432Gln)

Gene: LTBP4 (latent transforming growth factor beta binding protein 4; plus strand). Cytogenetic location: 19q13.2.
Variant type: single nucleotide variant.
Coding change: c.1295G>A on transcript NM_001042545.2 (MANE Select); coding-DNA position 1295, G replaced by A.
Protein change: p.Arg432Gln; replaces arginine 432 with glutamine.
Molecular consequence: missense variant.
Genome position (GRCh38, 1-based): chr19:40,608,358, G>A. VCF-style: chr19-40608358-G-A. GRCh37 (hg19) VCF-style: chr19-41114264-G-A.
Other names: c.1496G>A, p.Arg499Gln (NM_001042544.1); c.1385G>A, p.Arg462Gln (NM_003573.2); short protein forms R462Q, R432Q, R499Q.
Identifiers: ClinVar variation 1373252 (VCV001373252.3), dbSNP rs528386162, ClinGen allele CA9448243.

ClinVar aggregate classification (germline): Uncertain significance (1 of 4 stars; one submission).

Allele frequency attached by ClinVar (database versions not stated): gnomAD 0.00001.
gnomAD v4.1: 23 of 1,612,586 alleles (0.0014%); highest among the groups gnomAD compares: South Asian, 0.013%; no homozygotes.

Submission:

Labcorp Genetics (formerly Invitae), Labcorp
Classification: Uncertain significance. Last evaluated: 2022-07-05. Review status: criteria provided, single submitter. Criteria: Invitae Variant Classification Sherloc (09022015). Collection method: clinical testing. Allele origin: germline.
Comment: This sequence change replaces arginine, which is basic and polar, with glutamine, which is neutral and polar, at codon 462 of the LTBP4 protein (p.Arg462Gln). This variant is present in population databases (rs528386162, gnomAD 0.01%). This variant has not been reported in the literature in individuals affected with LTBP4-related conditions. ClinVar contains an entry for this variant (Variation ID: 1373252). Experimental studies and prediction algorithms are not available or were not evaluated, and the functional significance of this variant is currently unknown. In summary, the available evidence is currently insufficient to determine the role of this variant in disease. Therefore, it has been classified as a Variant of Uncertain Significance.